The following is an entry in ClinVar:

ClinVar aggregate classification (germline): Likely pathogenic (1 of 4 stars; one submission).

Conditions:
Inborn genetic diseases. Identifiers: MedGen C0950123, MeSH D030342.

Submission:

Ambry Genetics
Classification: Likely pathogenic for Inborn genetic diseases. Last evaluated: 2026-07-27. Review status: criteria provided, single submitter. Criteria: Ambry Variant Classification Scheme 2023. Collection method: clinical testing. Allele origin: germline.
Comment: The c.1321C>A (p.P441T) alteration is located in exon 16 (coding exon 12) of the PAK3 gene. This alteration results from a C to A substitution at nucleotide position 1321, causing the proline (P) at amino acid position 441 to be replaced by a threonine (T). This variant was not reported in population-based cohorts in the Genome Aggregation Database (gnomAD). This amino acid position is highly conserved in available vertebrate species. This missense alteration is located in a region that has a low rate of benign missense variation (Lek, 2016; Firth, 2009). The in silico prediction for this amino acid alteration is inconclusive. In silico splice site analysis predicts that this nucleotide alteration will result in the creation or strengthening of a novel splice donor site. Based on the available evidence, this alteration is classified as likely pathogenic.

NM_002578.5(PAK3):c.1321C>A (p.Pro441Thr)

Gene: PAK3 (p21 (RAC1) activated kinase 3; plus strand). Cytogenetic location: Xq23.
Variant type: single nucleotide variant.
Coding change: c.1321C>A on transcript NM_002578.5 (MANE Select); coding-DNA position 1321, C replaced by A.
Protein change: p.Pro441Thr; replaces proline 441 with threonine.
Molecular consequence: missense variant. On other transcripts: non-coding transcript variant (2).
Genome position (GRCh38, 1-based): chrX:111,196,554, C>A. VCF-style: chrX-111196554-C-A. GRCh37 (hg19) VCF-style: chrX-110439782-C-A.
Other names: c.1384C>A, p.Pro462Thr (NM_001128172.2); c.1366C>A, p.Pro456Thr (NM_001128173.3, NM_001324327.2, NM_001324328.2 and 2 more transcripts); c.1321C>A, p.Pro441Thr (NM_001324325.2, NM_001324326.2, NM_001324330.2 and 5 more transcripts); c.1429C>A, p.Pro477Thr (NM_001128168.3); short protein forms P441T, P462T, P477T, P456T.
Identifiers: ClinVar variation 4833245 (VCV004833245.2).